The following is an entry in ClinVar:

NM_000218.3(KCNQ1):c.1978C>T (p.Pro660Ser)

Genes: KCNQ1 (potassium voltage-gated channel subfamily Q member 1; plus strand), KCNQ1-AS1 (KCNQ1 antisense RNA 1; minus strand). Cytogenetic location: 11p15.4.
Variant type: single nucleotide variant.
Coding change: c.1978C>T on transcript NM_000218.3 (MANE Select); coding-DNA position 1978, C replaced by T.
Protein change: p.Pro660Ser; replaces proline 660 with serine.
Molecular consequence: missense variant.
Genome position (GRCh38, 1-based): chr11:2,847,950, C>T. VCF-style: chr11-2847950-C-T. GRCh37 (hg19) VCF-style: chr11-2869180-C-T.
Other names: c.1882C>T, p.Pro628Ser (NM_001406836.1); c.1708C>T, p.Pro570Ser (NM_001406837.1); c.1438C>T, p.Pro480Ser (NM_001406838.1); c.490C>T, p.Pro164Ser (NM_001406839.1); c.1597C>T, p.Pro533Ser (NM_181798.2); short protein forms P533S, P660S, P628S, P164S, P480S, P570S.
Identifiers: ClinVar variation 1423005 (VCV001423005.9), dbSNP rs867880610, ClinGen allele CA216345403.
Genomic context (GRCh38, chr11:2,847,950, plus strand): 5'-CAGCCCTGCGGCAGTGGCGGCTCCGTCGACCCTGAGCTCTTCCTGCCCAGCAACACCCTG[C>T]CCACCTACGAGCAGCTGACCGTGCCCAGGAGGGGCCCCGATGAGGGGTCCTGAGGAGGGG-3'
Protein context (NP_000209.2, residues 650-670): PELFLPSNTL[Pro660Ser]TYEQLTVPRR

ClinVar aggregate classification (germline): Uncertain significance. Review status: criteria provided, multiple submitters, no conflicts (2 of 4 stars). 2 submissions from 2 submitters: Uncertain significance (2). Last evaluated 2022-11-16.

Conditions:
Cardiac arrhythmia. Also called: Cardiac rhythm disease; Arrhythmia. Identifiers: MedGen C0003811, MONDO:0007263, HP:0011675.
Long QT syndrome (LQTS). Identifiers: MedGen C0023976, MeSH D008133, MONDO:0002442. Disease mechanism: loss of function. Inheritance: Various modes of inheritance.

Allele frequency attached by ClinVar (database versions not stated): gnomAD 0.00001; gnomAD exomes 0.00001.
gnomAD v4.1: 4 of 1,570,210 alleles (0.00025%); highest among the groups gnomAD compares: Admixed American, 0.0055%; no homozygotes.

Submissions (2):

Color Diagnostics, LLC DBA Color Health
Classification: Uncertain significance for Cardiac arrhythmia. Last evaluated: 2022-11-16. Review status: criteria provided, single submitter. Criteria: ACMG Guidelines, 2015. Collection method: clinical testing. Allele origin: germline.
Comment: This missense variant replaces proline with serine at codon 660 of the KCNQ1 protein. Computational prediction is inconclusive regarding the impact of this variant on protein structure and function (internally defined REVEL score threshold 0.5 < inconclusive < 0.7, PMID: 27666373). To our knowledge, functional studies have not been reported for this variant. This variant has not been reported in individuals affected with KCNQ1-related disorders in the literature. This variant has been identified in 1/216020 chromosomes in the general population by the Genome Aggregation Database (gnomAD). The available evidence is insufficient to determine the role of this variant in disease conclusively. Therefore, this variant is classified as a Variant of Uncertain Significance.

Labcorp Genetics (formerly Invitae), Labcorp
Classification: Uncertain significance for Long QT syndrome. Last evaluated: 2021-07-28. Review status: criteria provided, single submitter. Criteria: Invitae Variant Classification Sherloc (09022015). Collection method: clinical testing. Allele origin: germline.
Comment: In summary, the available evidence is currently insufficient to determine the role of this variant in disease. Therefore, it has been classified as a Variant of Uncertain Significance. Algorithms developed to predict the effect of missense changes on protein structure and function are either unavailable or do not agree on the potential impact of this missense change (SIFT: "Tolerated"; PolyPhen-2: "Probably Damaging"; Align-GVGD: "Class C0"). This variant has not been reported in the literature in individuals affected with KCNQ1-related conditions. This variant is not present in population databases (ExAC no frequency). This sequence change replaces proline with serine at codon 660 of the KCNQ1 protein (p.Pro660Ser). The proline residue is moderately conserved and there is a moderate physicochemical difference between proline and serine.